The following is an entry in ClinVar:

NM_138694.4(PKHD1):c.467_468del (p.Tyr156fs)

Gene: PKHD1 (PKHD1 ciliary IPT domain containing fibrocystin/polyductin; minus strand). Cytogenetic location: 6p12.2.
Variant type: Microsatellite.
Coding change: c.467_468del on transcript NM_138694.4 (MANE Select); coding-DNA positions 467 to 468, 2 bases deleted (AT; older notation c.467_468delAT).
Protein change: p.Tyr156fs; shifts the reading frame from tyrosine 156.
Molecular consequence: frameshift variant.
Genome position (GRCh38, 1-based): chr6:52,073,522-52,073,523, AT deleted on the plus strand (AT on the coding strand, the reverse complement: PKHD1 is on the minus strand); deleting any 2 consecutive bases within chr6:52,073,522-52,073,526 gives the same sequence; the c. name uses the placement nearest the transcript's 3' end. VCF-style (leftmost placement, unchanged base first): chr6-52073521-CAT-C. GRCh37 (hg19) VCF-style: chr6-51938319-CAT-C.
Other names: c.467_468del, p.Tyr156fs (NM_170724.3); short protein forms Y156fs.
Identifiers: ClinVar variation 4816673 (VCV004816673.1).

ClinVar aggregate classification (germline): Likely pathogenic (1 of 4 stars; one submission).

Conditions:
Autosomal recessive polycystic kidney disease (ARPKD). Also called: AR polycystic kidney disease. Identifiers: Orphanet 731, Orphanet 8378, MedGen C0085548, MeSH D017044, MONDO:0009889.

Submission:

Natera, Inc.
Classification: Likely pathogenic for Autosomal recessive polycystic kidney disease. Last evaluated: 2024-04-10. Review status: criteria provided, single submitter. Criteria: Natera Variant Classification Schema (03/2026). Collection method: clinical testing. Allele origin: germline.
Comment: The c.467_468delAT variant in PKHD1 is a frameshift variant predicted to shift the reading frame beginning at codon 156 and leads to a stop codon 12 codons downstream. This variant is expected to result in nonsense mediated decay, truncation, or a dysfunctional protein product. This variant is rare in the general population with a frequency below the threshold expected for the associated phenotype(s). Given the available evidence, this variant is classified as Likely Pathogenic.